The following is an entry in ClinVar:

NM_020436.5(SALL4):c.2835C>T (p.Asp945=)

Gene: SALL4 (spalt like transcription factor 4; minus strand). Cytogenetic location: 20q13.2.
Variant type: single nucleotide variant.
Coding change: c.2835C>T on transcript NM_020436.5 (MANE Select); coding-DNA position 2835, C replaced by T.
Protein change: p.Asp945=; no amino-acid change (aspartic acid 945 retained).
Molecular consequence: synonymous variant.
Genome position (GRCh38, 1-based): chr20:51,784,592, G>A on the plus strand (C>T on the coding strand, the complement: SALL4 is on the minus strand). VCF-style: chr20-51784592-G-A. GRCh37 (hg19) VCF-style: chr20-50401131-G-A.
Other names: c.1524C>T, p.Asp508= (NM_001318031.2); c.2835C>T (LRG_675t1).
Identifiers: ClinVar variation 509052 (VCV000509052.11), dbSNP rs143702441, ClinGen allele CA9911986.

ClinVar aggregate classification (germline): Benign/Likely benign. Review status: criteria provided, multiple submitters, no conflicts (2 of 4 stars). 4 submissions from 4 submitters: Benign (1); Likely benign (3). Last evaluated 2025-04-03.

Conditions:
Duane-radial ray syndrome (DRRS). Also called: Okihiro Syndrome; ACRORENOOCULAR SYNDROME; DR SYNDROME; DUANE ANOMALY WITH RADIAL RAY ABNORMALITIES AND DEAFNESS; Duane-Radial Ray Syndrome (DRRS) / Okihiro Syndrome; Duane-Radial Ray Syndrome/Okihiro Syndrome. Identifiers: Orphanet 93293, Orphanet 959, MedGen C1623209, MONDO:0011812, OMIM 607323. Disease mechanism: gain of function.
Oculootoradial syndrome (IVIC). Also called: RADIAL RAY DEFECTS, HEARING IMPAIRMENT, EXTERNAL OPHTHALMOPLEGIA, AND THROMBOCYTOPENIA; IVIC syndrome. Identifiers: Orphanet 2307, MedGen C1327918, MONDO:0007836, OMIM 147750.

Allele frequency attached by ClinVar (database versions not stated): gnomAD exomes 0.00010; ExAC 0.00014; ESP Exome Variant Server 0.00015; 1000 Genomes Project 0.00020; gnomAD 0.00030 and 0.00033; 1000 Genomes Project 30x 0.00031; TOPMed 0.00031.
gnomAD v4.1: 158 of 1,614,070 alleles (0.0098%); highest among the groups gnomAD compares: African/African-American, 0.087%; no homozygotes.

Submissions (4):

Labcorp Genetics (formerly Invitae), Labcorp
Classification: Benign for Duane-radial ray syndrome. Last evaluated: 2025-04-03. Review status: criteria provided, single submitter. Criteria: Invitae Variant Classification Sherloc (09022015). Collection method: clinical testing. Allele origin: germline.

Blueprint Genetics
Classification: Likely benign. Last evaluated: 2024-09-09. Review status: criteria provided, single submitter. Criteria: ACMG Guidelines, 2015. Collection method: clinical testing. Allele origin: germline.

Fulgent Genetics
Classification: Likely benign for Oculootoradial syndrome; Duane-radial ray syndrome. Last evaluated: 2021-12-28. Review status: criteria provided, single submitter. Criteria: ACMG Guidelines, 2015. Collection method: clinical testing. Allele origin: unknown.

GeneDx
Classification: Likely benign. Last evaluated: 2017-04-13. Review status: criteria provided, single submitter. Criteria: GeneDx Variant Classification (06012015). Collection method: clinical testing. Allele origin: germline. Affected: yes.
Comment: This variant is considered likely benign or benign based on one or more of the following criteria: it is a conservative change, it occurs at a poorly conserved position in the protein, it is predicted to be benign by multiple in silico algorithms, and/or has population frequency not consistent with disease.